The following is an entry in ClinVar:

NM_025137.4(SPG11):c.361A>C (p.Lys121Gln)

Gene: SPG11 (SPG11 vesicle trafficking associated, spatacsin; minus strand). Cytogenetic location: 15q21.1.
Variant type: single nucleotide variant.
Coding change: c.361A>C on transcript NM_025137.4 (MANE Select); coding-DNA position 361, A replaced by C.
Protein change: p.Lys121Gln; replaces lysine 121 with glutamine.
Molecular consequence: missense variant.
Genome position (GRCh38, 1-based): chr15:44,660,513, T>G on the plus strand (A>C on the coding strand, the complement: SPG11 is on the minus strand). VCF-style: chr15-44660513-T-G. GRCh37 (hg19) VCF-style: chr15-44952711-T-G.
Other names: p.Lys121Gln; c.361A>C, p.Lys121Gln (NM_001160227.2); short protein forms K121Q.
Identifiers: ClinVar variation 1495977 (VCV001495977.22), dbSNP rs778960331, ClinGen allele CA270110927.

ClinVar aggregate classification (germline): Uncertain significance. Review status: criteria provided, multiple submitters, no conflicts (2 of 4 stars). 7 submissions from 5 submitters: Uncertain significance (7). Last evaluated 2025-02-01.

Conditions:
Charcot-Marie-Tooth disease axonal type 2X. Also called: CHARCOT-MARIE-TOOTH DISEASE, AXONAL, AUTOSOMAL RECESSIVE, TYPE 2X; CHARCOT-MARIE-TOOTH NEUROPATHY, TYPE 2X. Identifiers: Orphanet 466775, MedGen C5569024, MONDO:0014726, OMIM 616668.
Amyotrophic lateral sclerosis type 5 (ALS5). Also called: AMYOTROPHIC LATERAL SCLEROSIS 5, JUVENILE. Identifiers: Orphanet 300605, MedGen C1865864, MONDO:0011196, OMIM 602099.
Hereditary spastic paraplegia 11. Also called: Spastic paraplegia, mental retardation and thin corpus callosum; Spastic Paraplegia 11; Nakamura Osame syndrome; Autosomal recessive hereditary spastic paraplegia, mental impairment, and thin corpus callosum; SPASTIC PARAPLEGIA, AUTOSOMAL RECESSIVE, COMPLICATED, WITH THIN CORPUS CALLOSUM; SPASTIC PARAPLEGIA, AUTOSOMAL RECESSIVE, WITH MENTAL IMPAIRMENT AND THIN CORPUS CALLOSUM. Identifiers: Orphanet 2822, MedGen C1858479, MONDO:0011445, OMIM 604360.

Allele frequency attached by ClinVar (database versions not stated): gnomAD exomes 0.00001 and 0.00004; TOPMed 0.00002; gnomAD 0.00003.
gnomAD v4.1: 68 of 1,614,066 alleles (0.0042%); highest among the groups gnomAD compares: Non-Finnish European, 0.0058%; no homozygotes.

Submissions (7):

CeGaT Center for Human Genetics Tuebingen
Classification: Uncertain significance. Last evaluated: 2025-02-01. Review status: criteria provided, single submitter. Criteria: CeGaT Center For Human Genetics Tuebingen Variant Classification Criteria Version 2. Collection method: clinical testing. Allele origin: germline. Affected: yes. Observed: 1 variant allele.
Comment: SPG11: PM2, BP4

Mayo Clinic Laboratories, Mayo Clinic
Classification: Uncertain significance. Last evaluated: 2023-06-02. Review status: criteria provided, single submitter. Criteria: ACMG Guidelines, 2015. Collection method: clinical testing. Allele origin: germline. Observed: 1 variant allele.
Comment: BP4

GeneDx
Classification: Uncertain significance. Last evaluated: 2022-04-19. Review status: criteria provided, single submitter. Criteria: GeneDx Variant Classification Process June 2021. Collection method: clinical testing. Allele origin: germline. Affected: yes.
Comment: Not observed at significant frequency in large population cohorts (gnomAD); In silico analysis supports that this missense variant does not alter protein structure/function; Has not been previously published as pathogenic or benign to our knowledge

Labcorp Genetics (formerly Invitae), Labcorp
Classification: Uncertain significance for Hereditary spastic paraplegia 11. Last evaluated: 2022-01-23. Review status: criteria provided, single submitter. Criteria: Invitae Variant Classification Sherloc (09022015). Collection method: clinical testing. Allele origin: germline.
Comment: This sequence change replaces lysine, which is basic and polar, with glutamine, which is neutral and polar, at codon 121 of the SPG11 protein (p.Lys121Gln). This variant is present in population databases (rs778960331, gnomAD 0.002%). This variant has not been reported in the literature in individuals affected with SPG11-related conditions. Algorithms developed to predict the effect of missense changes on protein structure and function (SIFT, PolyPhen-2, Align-GVGD) all suggest that this variant is likely to be tolerated. In summary, the available evidence is currently insufficient to determine the role of this variant in disease. Therefore, it has been classified as a Variant of Uncertain Significance.

Genome-Nilou Lab
Classification: Uncertain significance for Amyotrophic lateral sclerosis type 5. Review status: criteria provided, single submitter. Criteria: ACMG Guidelines, 2015. Collection method: clinical testing. Allele origin: germline.

Genome-Nilou Lab
Classification: Uncertain significance for Charcot-Marie-Tooth disease axonal type 2X. Review status: criteria provided, single submitter. Criteria: ACMG Guidelines, 2015. Collection method: clinical testing. Allele origin: germline.

Genome-Nilou Lab
Classification: Uncertain significance for Hereditary spastic paraplegia 11. Review status: criteria provided, single submitter. Criteria: ACMG Guidelines, 2015. Collection method: clinical testing. Allele origin: germline.

Literature cited by the submitters: PubMed 25299611 (cited by Mayo Clinic Laboratories, Mayo Clinic).